The following is an entry in ClinVar:

ClinVar aggregate classification (germline): Uncertain significance (1 of 4 stars; one submission).

Allele frequency attached by ClinVar (database versions not stated): ESP Exome Variant Server 0.00015; 1000 Genomes Project 0.00060; 1000 Genomes Project 30x 0.00078.
gnomAD v4.1: 42 of 1,614,148 alleles (0.0026%); highest among the groups gnomAD compares: African/African-American, 0.031%; no homozygotes.

Submission:

Labcorp Genetics (formerly Invitae), Labcorp
Classification: Uncertain significance. Last evaluated: 2022-09-27. Review status: criteria provided, single submitter. Criteria: Invitae Variant Classification Sherloc (09022015). Collection method: clinical testing. Allele origin: germline.
Comment: This sequence change replaces valine, which is neutral and non-polar, with methionine, which is neutral and non-polar, at codon 174 of the TK2 protein (p.Val174Met). This variant is present in population databases (rs149036717, gnomAD 0.03%). This variant has not been reported in the literature in individuals affected with TK2-related conditions. Advanced modeling of protein sequence and biophysical properties (such as structural, functional, and spatial information, amino acid conservation, physicochemical variation, residue mobility, and thermodynamic stability) performed at Invitae indicates that this missense variant is not expected to disrupt TK2 protein function. In summary, the available evidence is currently insufficient to determine the role of this variant in disease. Therefore, it has been classified as a Variant of Uncertain Significance.

NM_004614.5(TK2):c.520G>A (p.Val174Met)

Gene: TK2 (thymidine kinase 2; minus strand). Cytogenetic location: 16q21.
Variant type: single nucleotide variant.
Coding change: c.520G>A on transcript NM_004614.5 (MANE Select); coding-DNA position 520, G replaced by A.
Protein change: p.Val174Met; replaces valine 174 with methionine.
Molecular consequence: missense variant. On other transcripts: non-coding transcript variant (1), intron variant (1).
Genome position (GRCh38, 1-based): chr16:66,517,807, C>T on the plus strand (G>A on the coding strand, the complement: TK2 is on the minus strand). VCF-style: chr16-66517807-C-T. GRCh37 (hg19) VCF-style: chr16-66551710-C-T.
Other names: c.427G>A, p.Val143Met (NM_001172643.1); c.445G>A, p.Val149Met (NM_001172644.2); c.466G>A, p.Val156Met (NM_001172645.2); c.373G>A, p.Val125Met (NM_001271934.2); c.229G>A, p.Val77Met (NM_001272050.2); c.357-3996G>A (NM_001271935.1); short protein forms V77M, V125M, V143M, V156M, V174M, V149M.
Identifiers: ClinVar variation 1420640 (VCV001420640.6), dbSNP rs149036717, ClinGen allele CA8093652.